The following is an entry in ClinVar:

ClinVar aggregate classification (germline): Uncertain significance (1 of 4 stars; one submission).

Conditions:
DNA ligase IV deficiency. Identifiers: Orphanet 99812, MedGen C1847827, MONDO:0011686, OMIM 606593.

Submission:

Labcorp Genetics (formerly Invitae), Labcorp
Classification: Uncertain significance for DNA ligase IV deficiency. Last evaluated: 2020-12-28. Review status: criteria provided, single submitter. Criteria: Invitae Variant Classification Sherloc (09022015). Collection method: clinical testing. Allele origin: germline.
Comment: Algorithms developed to predict the effect of missense changes on protein structure and function are either unavailable or do not agree on the potential impact of this missense change (SIFT: "Deleterious"; PolyPhen-2: "Benign"; Align-GVGD: "Class C25"). This variant has not been reported in the literature in individuals with LIG4-related conditions. This variant is not present in population databases (ExAC no frequency). This sequence change replaces methionine with arginine at codon 279 of the LIG4 protein (p.Met279Arg). The methionine residue is moderately conserved and there is a moderate physicochemical difference between methionine and arginine. In summary, the available evidence is currently insufficient to determine the role of this variant in disease. Therefore, it has been classified as a Variant of Uncertain Significance.

NM_206937.2(LIG4):c.836T>G (p.Met279Arg)

Gene: LIG4 (DNA ligase 4; minus strand). Cytogenetic location: 13q33.3.
Variant type: single nucleotide variant.
Coding change: c.836T>G on transcript NM_206937.2 (MANE Select); coding-DNA position 836, T replaced by G.
Protein change: p.Met279Arg; replaces methionine 279 with arginine.
Molecular consequence: missense variant.
Genome position (GRCh38, 1-based): chr13:108,210,433, A>C on the plus strand (T>G on the coding strand, the complement: LIG4 is on the minus strand). VCF-style: chr13-108210433-A-C. GRCh37 (hg19) VCF-style: chr13-108862781-A-C.
Other names: c.836T>G, p.Met279Arg (NM_002312.3, NM_001098268.2, NM_001352598.2 and 6 more transcripts); c.635T>G, p.Met212Arg (NM_001330595.2); c.872T>G, p.Met291Arg (NM_001352604.2); short protein forms M279R, M212R, M291R.
Identifiers: ClinVar variation 970631 (VCV000970631.9), dbSNP rs1878520639, ClinGen allele CA388619850.